The following is an entry in ClinVar:

NM_000188.3(HK1):c.374A>G (p.Gln125Arg)

Gene: HK1 (hexokinase 1; plus strand). Cytogenetic location: 10q22.1.
Variant type: single nucleotide variant.
Coding change: c.374A>G on transcript NM_000188.3 (MANE Select); coding-DNA position 374, A replaced by G.
Protein change: p.Gln125Arg; replaces glutamine 125 with arginine.
Molecular consequence: missense variant. On other transcripts: 5 prime UTR variant (2), non-coding transcript variant (2), intron variant (2).
Genome position (GRCh38, 1-based): chr10:69,360,044, A>G. VCF-style: chr10-69360044-A-G. GRCh37 (hg19) VCF-style: chr10-71119800-A-G.
Other names: c.386A>G, p.Gln129Arg (NM_001322364.2, NM_001358263.1, NM_033497.3 and 1 more transcripts); c.479A>G, p.Gln160Arg (NM_001322365.2); c.290A>G, p.Gln97Arg (NM_001322366.1, NM_001441143.1); c.374A>G, p.Gln125Arg (NM_001322367.1, NM_001441139.1, NM_001441141.1 and 5 more transcripts); c.365A>G, p.Gln122Arg (NM_001441140.1); c.332A>G, p.Gln111Arg (NM_001441142.1); c.152A>G, p.Gln51Arg (NM_001441147.1); c.-363A>G (NM_001441152.1); and 5 more; short protein forms Q111R, Q113R, Q122R, Q124R, Q125R, Q129R, Q160R, Q51R.
Identifiers: ClinVar variation 4810366 (VCV004810366.1).
Genomic context (GRCh38, chr10:69,360,044, plus strand): 5'-TTCACATGGAGTCCGAGGTTTATGACACCCCAGAGAACATCGTGCACGGCAGTGGAAGCC[A>G]GGTGGGTCCCTGCTCCCTCCGGGTCACCCCGTCGGGCCAGCATCCCCTTGGTTACCTCCA-3'
Protein context (NP_000179.2, residues 115-135): PENIVHGSGS[Gln125Arg]LFDHVAECLG

ClinVar aggregate classification (germline): Uncertain significance (1 of 4 stars; one submission).

Submission:

Labcorp Genetics (formerly Invitae), Labcorp
Classification: Uncertain significance. Last evaluated: 2025-03-19. Review status: criteria provided, single submitter. Criteria: Invitae Variant Classification Sherloc (09022015). Collection method: clinical testing. Allele origin: germline.
Comment: This sequence change replaces glutamine, which is neutral and polar, with arginine, which is basic and polar, at codon 125 of the HK1 protein (p.Gln125Arg). This variant is not present in population databases (gnomAD no frequency). This variant has not been reported in the literature in individuals affected with HK1-related conditions. An algorithm developed to predict the effect of missense changes on protein structure and function (PolyPhen-2) suggests that this variant is likely to be tolerated. In summary, the available evidence is currently insufficient to determine the role of this variant in disease. Therefore, it has been classified as a Variant of Uncertain Significance.